The following is an entry in ClinVar:

NM_000397.4(CYBB):c.536G>T (p.Gly179Val)

Gene: CYBB (cytochrome b-245 beta chain; plus strand). Cytogenetic location: Xp21.1.
Variant type: single nucleotide variant.
Coding change: c.536G>T on transcript NM_000397.4 (MANE Select); coding-DNA position 536, G replaced by T.
Protein change: p.Gly179Val; replaces glycine 179 with valine.
Molecular consequence: missense variant.
Genome position (GRCh38, 1-based): chrX:37,796,003, G>T. VCF-style: chrX-37796003-G-T. GRCh37 (hg19) VCF-style: chrX-37655256-G-T.
Other names: short protein forms G179V.
Identifiers: ClinVar variation 4071521 (VCV004071521.1).

ClinVar aggregate classification (germline): Likely pathogenic (1 of 4 stars; one submission).

Conditions:
Granulomatous disease, chronic, X-linked. Also called: GRANULOMATOUS DISEASE, CHRONIC, X-LINKED, SOMATIC MOSAIC; CYTOCHROME b-NEGATIVE GRANULOMATOUS DISEASE, CHRONIC, X-LINKED. Identifiers: Orphanet 379, MedGen C1844376, MONDO:0010600, OMIM 306400.

Submission:

Next Generation Genetic Polyclinic
Classification: Likely pathogenic for Granulomatous disease, chronic, X-linked. Last evaluated: 2025-03-26. Review status: criteria provided, single submitter. Criteria: ACMG Guidelines, 2015. Collection method: curation. Allele origin: germline. Affected: yes. Observed: 1 variant allele.
Comment: Novel nonsense variant in CYBB (c.536G>T; p.Glu179Ter), predicted to introduce a premature stop codon in an essential region of the gene. CYBB loss-of-function is a known mechanism for X-linked chronic granulomatous disease (PVS1). Although novel, the absence from population databases and gene-disease association support classification. Meets ACMG criteria: PVS1 (moderate), PM2, PP4 (if phenotype consistent). pending functional confirmation or segregation evidence.